The following is an entry in ClinVar:

NM_001365536.1(SCN9A):c.4142G>A (p.Arg1381Gln)

Genes: SCN1A-AS1 (SCN1A and SCN9A antisense RNA 1; plus strand), SCN9A (sodium voltage-gated channel alpha subunit 9; minus strand). Cytogenetic location: 2q24.3.
Variant type: single nucleotide variant.
Coding change: c.4142G>A on transcript NM_001365536.1 (MANE Select); coding-DNA position 4142, G replaced by A.
Protein change: p.Arg1381Gln; replaces arginine 1381 with glutamine.
Molecular consequence: missense variant.
Genome position (GRCh38, 1-based): chr2:166,228,755, C>T on the plus strand (G>A on the coding strand, the complement: SCN9A is on the minus strand). VCF-style: chr2-166228755-C-T. GRCh37 (hg19) VCF-style: chr2-167085265-C-T.
Other names: c.4109G>A, p.Arg1370Gln (NM_002977.4); short protein forms R1370Q, R1381Q.
Identifiers: ClinVar variation 578851 (VCV000578851.15), dbSNP rs202050216, ClinGen allele CA1943943.

ClinVar aggregate classification (germline): Conflicting classifications of pathogenicity. Review status: criteria provided, conflicting classifications (1 of 4 stars). 4 submissions from 4 submitters: Uncertain significance (3); Likely benign (1). Last evaluated 2025-12-03.

Conditions:
Inborn genetic diseases. Identifiers: MedGen C0950123, MeSH D030342.
Neuropathy, hereditary sensory and autonomic, type 2A (HSAN2A). Also called: ACROOSTEOLYSIS, GIACCAI TYPE; ACROOSTEOLYSIS, NEUROGENIC; MORVAN DISEASE; NEUROPATHY, CONGENITAL SENSORY; NEUROPATHY, HEREDITARY SENSORY RADICULAR, AUTOSOMAL RECESSIVE; NEUROPATHY, HEREDITARY SENSORY, TYPE IIA. Identifiers: Orphanet 970, MedGen C2752089, MONDO:0024309, OMIM 201300.
Generalized epilepsy with febrile seizures plus, type 7 (GEFSP7). Also called: GEFS+, TYPE 7. Identifiers: Orphanet 36387, MedGen C2751778, MONDO:0013470, OMIM 613863.

Allele frequency attached by ClinVar (database versions not stated): ExAC 0.00001; gnomAD exomes 0.00001 and 0.00010; gnomAD 0.00005; TOPMed 0.00005.
gnomAD v4.1: 143 of 1,613,770 alleles (0.0089%); highest among the groups gnomAD compares: Non-Finnish European, 0.012%; no homozygotes.

Submissions (4):

Labcorp Genetics (formerly Invitae), Labcorp
Classification: Likely benign for Neuropathy, hereditary sensory and autonomic, type 2A; Generalized epilepsy with febrile seizures plus, type 7. Last evaluated: 2025-12-03. Review status: criteria provided, single submitter. Criteria: Invitae Variant Classification Sherloc (09022015). Collection method: clinical testing. Allele origin: germline.

Ambry Genetics
Classification: Uncertain significance for Inborn genetic diseases. Last evaluated: 2025-11-05. Review status: criteria provided, single submitter. Criteria: Ambry Variant Classification Scheme 2023. Collection method: clinical testing. Allele origin: germline.

GeneDx
Classification: Uncertain significance. Last evaluated: 2025-05-16. Review status: criteria provided, single submitter. Criteria: GeneDx Variant Classification Process June 2021. Collection method: clinical testing. Allele origin: germline. Affected: yes.
Comment: In silico analysis supports that this missense variant has a deleterious effect on protein structure/function; Has not been previously published as pathogenic or benign to our knowledge

Revvity Omics, Revvity
Classification: Uncertain significance. Last evaluated: 2019-05-28. Review status: criteria provided, single submitter. Criteria: ACMG Guidelines, 2015. Collection method: clinical testing. Allele origin: germline.